The following is an entry in ClinVar:

ClinVar aggregate classification (germline): Likely pathogenic (1 of 4 stars; one submission).

Submission:

Mayo Clinic Laboratories, Mayo Clinic
Classification: Likely pathogenic. Last evaluated: 2024-12-31. Review status: criteria provided, single submitter. Criteria: ACMG Guidelines, 2015. Collection method: clinical testing. Allele origin: germline. Observed: 1 variant allele.
Comment: PP3, PM1, PM2_supporting, PM5

NM_000175.5(GPI):c.838A>G (p.Ile280Val)

Gene: GPI (glucose-6-phosphate isomerase; plus strand). Cytogenetic location: 19q13.11.
Variant type: single nucleotide variant.
Coding change: c.838A>G on transcript NM_000175.5 (MANE Select); coding-DNA position 838, A replaced by G.
Protein change: p.Ile280Val; replaces isoleucine 280 with valine.
Molecular consequence: missense variant.
Genome position (GRCh38, 1-based): chr19:34,393,281, A>G. VCF-style: chr19-34393281-A-G. GRCh37 (hg19) VCF-style: chr19-34884186-A-G.
Other names: p.Ile280Val; c.871A>G, p.Ile291Val (NM_001184722.1); c.955A>G, p.Ile319Val (NM_001289789.1, NM_001440422.1); c.754A>G, p.Ile252Val (NM_001289790.3); c.838A>G, p.Ile280Val (NM_001329909.1, NM_001329910.1, NM_001329911.2); short protein forms I280V, I252V, I291V, I319V.
Identifiers: ClinVar variation 4542338 (VCV004542338.1).
Genomic context (GRCh38, chr19:34,393,281, plus strand): 5'-CTCAGCACCTTGTCCTGTCTCTCCTAGTGGGTGGGAGGACGCTACTCGCTGTGGTCGGCC[A>G]TCGGACTCTCCATTGCCCTGCACGTGGGTGAGTGTGTTTCTGTGTCTTGCAGCCCCTGTG-3'
Protein context (NP_000166.2, residues 270-290): VGGRYSLWSA[Ile280Val]GLSIALHVGF